The following is an entry in ClinVar:

ClinVar aggregate classification (germline): Uncertain significance (1 of 4 stars; one submission).

Submission:

Labcorp Genetics (formerly Invitae), Labcorp
Classification: Uncertain significance. Last evaluated: 2023-03-24. Review status: criteria provided, single submitter. Criteria: Invitae Variant Classification Sherloc (09022015). Collection method: clinical testing. Allele origin: germline.
Comment: This variant, c.2103_2105del, results in the deletion of 1 amino acid(s) of the AHDC1 protein (p.Lys703del), but otherwise preserves the integrity of the reading frame. This variant is present in population databases (no rsID available, gnomAD 0.002%). This variant has not been reported in the literature in individuals affected with AHDC1-related conditions. Experimental studies and prediction algorithms are not available or were not evaluated, and the functional significance of this variant is currently unknown. In summary, the available evidence is currently insufficient to determine the role of this variant in disease. Therefore, it has been classified as a Variant of Uncertain Significance.

NM_001371928.1(AHDC1):c.2103_2105del (p.Lys703del)

Gene: AHDC1 (AT-hook DNA binding motif containing 1; minus strand). Cytogenetic location: 1p36.11.
Variant type: Deletion.
Coding change: c.2103_2105del on transcript NM_001371928.1 (MANE Select); coding-DNA positions 2103 to 2105, 3 bases deleted (AAA; older notation c.2103_2105delAAA).
Protein change: p.Lys703del; deletes lysine 703.
Molecular consequence: inframe deletion.
Genome position (GRCh38, 1-based): chr1:27,550,011-27,550,013, TTT deleted on the plus strand (AAA on the coding strand, the reverse complement: AHDC1 is on the minus strand); deleting any 3 consecutive bases within chr1:27,550,011-27,550,015 gives the same sequence; the c. name uses the placement nearest the transcript's 3' end. VCF-style (leftmost placement, unchanged base first): chr1-27550010-CTTT-C. GRCh37 (hg19) VCF-style: chr1-27876521-CTTT-C.
Other names: c.2103_2105del, p.Lys703del (NM_001029882.3); short protein forms K703del.
Identifiers: ClinVar variation 2799586 (VCV002799586.3), dbSNP rs1557663477, ClinGen allele CA521908917.